The following is an entry in ClinVar:

ClinVar aggregate classification (germline): other (0 of 4 stars; one submission).

Conditions:
Familial colorectal cancer. Identifiers: MedGen CN280943, MONDO:0023113. Disease mechanism: loss of function.

Allele frequency attached by ClinVar (database versions not stated): gnomAD 0.05423 and 0.05508; TOPMed 0.06104; 1000 Genomes Project 30x 0.08994; 1000 Genomes Project 0.09205.
gnomAD v4.1: 8,310 of 151,406 alleles (5.5%); highest among the groups gnomAD compares: East Asian, 13%; 419 homozygotes.

Submission:

Systems Biology Platform Zhejiang California International NanoSystems Institute
Classification: other for Familial colorectal cancer. Review status: no assertion criteria provided. Collection method: not provided. Allele origin: unknown.
ClinVar note: Converted during submission from cancer to other.

NM_000038.6(APC):c.-18-5070A>G

Gene: APC (APC regulator of WNT signaling pathway; plus strand). Cytogenetic location: 5q22.2.
Variant type: single nucleotide variant.
Coding change: c.-18-5070A>G on transcript NM_000038.6 (MANE Select); 5070 bases into the intron before 18 bases upstream of the start codon, A replaced by G.
Molecular consequence: intron variant.
Genome position (GRCh38, 1-based): chr5:112,749,803, A>G. VCF-style: chr5-112749803-A-G. GRCh37 (hg19) VCF-style: chr5-112085500-A-G.
Other names: c.-18-5070A>G (NM_001354895.2, NM_001127510.3, NM_001354896.2 and 2 more transcripts); c.166-16523A>G (NM_001354897.2, NM_001354902.2, NM_001127511.3); c.60+11343A>G (NM_001354898.2, NM_001354904.2); c.-1053-5070A>G (NM_001354906.2); c.-43+11878A>G (NM_001354900.2, NM_001354901.2, NM_001354905.2).
Identifiers: ClinVar variation 82794 (VCV000082794.2), dbSNP rs75848865, ClinGen allele CA006113.
Genomic context (GRCh38, chr5:112,749,803, plus strand): 5'-CCAAAGTGCTGGGATTACAGGCATGAGCCACCACGCCTGGTCCAATTTTTTAATAGTTGT[A>G]GAACTATTAAGGTTTTTCTGTTGCTTCTTGAATCAATTCCCCCTCCCTAGAATCTTTAAT-3'